The following is an entry in ClinVar:

NC_000016.10:g.(?_89737551)_(89815987_89816536)del

Genes: FANCA (FA complementation group A; minus strand), ZNF276 (zinc finger protein 276; plus strand). Cytogenetic location: 16q24.3.
Variant type: Deletion.
Identifiers: ClinVar variation 974280 (VCV000974280.1).

ClinVar aggregate classification (germline): Uncertain significance (0 of 4 stars; one submission).

Conditions:
Fanconi anemia complementation group A (FANCA). Also called: Fanconi anemia, group A; FANCA-Related Fanconi Anemia. Identifiers: Orphanet 84, MedGen C3469521, MONDO:0009215, OMIM 227650.

Submission:

Leiden Open Variation Database
Classification: Uncertain significance for Fanconi anemia complementation group A. Last evaluated: 2020-02-28. Review status: no assertion criteria provided. Collection method: curation. Allele origin: germline. Affected: yes.
Comment: Curator: Arleen D. Auerbach. Submitter to LOVD: Arleen D. Auerbach.